The following is an entry in ClinVar:

ClinVar aggregate classification (germline): Uncertain significance. Review status: criteria provided, multiple submitters, no conflicts (2 of 4 stars). 2 submissions from 2 submitters: Uncertain significance (2). Last evaluated 2026-08-20.

Conditions:
Inborn genetic diseases. Identifiers: MedGen C0950123, MeSH D030342.
POR-related disorder. Also called: POR-related condition.

gnomAD v4.1: 7 of 1,606,040 alleles (0.00044%); highest among the groups gnomAD compares: Non-Finnish European, 0.0006%; no homozygotes.

Submissions (2):

PreventionGenetics, part of Exact Sciences
Classification: Uncertain significance for POR-related condition. Last evaluated: 2026-08-20. Review status: criteria provided, single submitter. Criteria: ACMG Guidelines, 2015. Collection method: clinical testing. Allele origin: germline.
Comment: The POR c.1209G>T variant is predicted to result in the amino acid substitution p.Glu403Asp. To our knowledge, this variant has not been reported in the literature. This variant is reported in 0.0016% of alleles in individuals of European (Non-Finnish) descent in gnomAD. At this time, the clinical significance of this variant is uncertain due to the absence of conclusive functional and genetic evidence.

Ambry Genetics
Classification: Uncertain significance for Inborn genetic diseases. Last evaluated: 2025-08-22. Review status: criteria provided, single submitter. Criteria: Ambry Variant Classification Scheme 2023. Collection method: clinical testing. Allele origin: germline.

NM_001395413.1(POR):c.1200G>T (p.Glu400Asp)

Gene: POR (cytochrome p450 oxidoreductase; plus strand). Cytogenetic location: 7q11.23.
Variant type: single nucleotide variant.
Coding change: c.1200G>T on transcript NM_001395413.1 (MANE Select); coding-DNA position 1200, G replaced by T.
Protein change: p.Glu400Asp; replaces glutamic acid 400 with aspartic acid.
Molecular consequence: missense variant.
Genome position (GRCh38, 1-based): chr7:75,984,919, G>T. VCF-style: chr7-75984919-G-T. GRCh37 (hg19) VCF-style: chr7-75614237-G-T.
Other names: c.1200G>T, p.Glu400Asp (NM_001367562.3, NM_001382657.2, NM_001382658.3 and 2 more transcripts); c.1254G>T, p.Glu418Asp (NM_001382655.3); c.1209G>T (NM_000941.2); short protein forms E400D, E418D.
Identifiers: ClinVar variation 4141872 (VCV004141872.2).